The following is an entry in ClinVar:

ClinVar aggregate classification (germline): Uncertain significance. Review status: criteria provided, multiple submitters, no conflicts (2 of 4 stars). 2 submissions from 2 submitters: Uncertain significance (2). Last evaluated 2025-01-20.

Conditions:
Inborn genetic diseases. Identifiers: MedGen C0950123, MeSH D030342.

Allele frequency attached by ClinVar (database versions not stated): ExAC 0.00003; gnomAD 0.00003; TOPMed 0.00003.
gnomAD v4.1: 12 of 1,469,466 alleles (0.00082%); highest among the groups gnomAD compares: Admixed American, 0.0048%; no homozygotes.

Submissions (2):

Ambry Genetics
Classification: Uncertain significance for Inborn genetic diseases. Last evaluated: 2025-01-20. Review status: criteria provided, single submitter. Criteria: Ambry Variant Classification Scheme 2023. Collection method: clinical testing. Allele origin: germline.

Labcorp Genetics (formerly Invitae), Labcorp
Classification: Uncertain significance. Last evaluated: 2022-06-08. Review status: criteria provided, single submitter. Criteria: Invitae Variant Classification Sherloc (09022015). Collection method: clinical testing. Allele origin: germline.
Comment: This sequence change replaces alanine, which is neutral and non-polar, with glycine, which is neutral and non-polar, at codon 2702 of the FRAS1 protein (p.Ala2702Gly). This variant is present in population databases (rs763117705, gnomAD 0.01%). This variant has not been reported in the literature in individuals affected with FRAS1-related conditions. Algorithms developed to predict the effect of missense changes on protein structure and function (SIFT, PolyPhen-2, Align-GVGD) all suggest that this variant is likely to be tolerated. In summary, the available evidence is currently insufficient to determine the role of this variant in disease. Therefore, it has been classified as a Variant of Uncertain Significance.

NM_025074.7(FRAS1):c.8105C>G (p.Ala2702Gly)

Gene: FRAS1 (Fraser extracellular matrix complex subunit 1; plus strand). Cytogenetic location: 4q21.21.
Variant type: single nucleotide variant.
Coding change: c.8105C>G on transcript NM_025074.7 (MANE Select); coding-DNA position 8105, C replaced by G.
Protein change: p.Ala2702Gly; replaces alanine 2702 with glycine.
Molecular consequence: missense variant.
Genome position (GRCh38, 1-based): chr4:78,479,380, C>G. VCF-style: chr4-78479380-C-G. GRCh37 (hg19) VCF-style: chr4-79400534-C-G.
Other names: c.8105C>G (NM_025074.6); short protein forms A2702G.
Identifiers: ClinVar variation 2167804 (VCV002167804.2), dbSNP rs763117705, ClinGen allele CA2978289.